The following is an entry in ClinVar:

NM_001134831.2(AHI1):c.221T>A (p.Ile74Asn)

Gene: AHI1 (Abelson helper integration site 1; minus strand). Cytogenetic location: 6q23.3.
Variant type: single nucleotide variant.
Coding change: c.221T>A on transcript NM_001134831.2 (MANE Select); coding-DNA position 221, T replaced by A.
Protein change: p.Ile74Asn; replaces isoleucine 74 with asparagine.
Molecular consequence: missense variant.
Genome position (GRCh38, 1-based): chr6:135,466,342, A>T on the plus strand (T>A on the coding strand, the complement: AHI1 is on the minus strand). VCF-style: chr6-135466342-A-T. GRCh37 (hg19) VCF-style: chr6-135787480-A-T.
Other names: c.221T>A, p.Ile74Asn (NM_001134830.2, NM_001134832.2, NM_001350503.2 and 2 more transcripts); short protein forms I74N.
Identifiers: ClinVar variation 451593 (VCV000451593.17), dbSNP rs370059449, ClinGen allele CA4012871.

ClinVar aggregate classification (germline): Conflicting classifications of pathogenicity. Review status: criteria provided, conflicting classifications (1 of 4 stars). 6 submissions from 6 submitters: Uncertain significance (5); Likely benign (1). Last evaluated 2026-08-11.

Conditions:
AHI1-related disorder. Also called: AHI1-related condition.
Inborn genetic diseases. Identifiers: MedGen C0950123, MeSH D030342.
Joubert syndrome 3 (JBTS3). Also called: AHI1-related Ciliopathy. Identifiers: Orphanet 220493, MedGen C1837713, MONDO:0012078, OMIM 608629.
Joubert syndrome. Also called: JOUBERT-BOLTSHAUSER SYNDROME; Familial aplasia of the vermis. Identifiers: Orphanet 475, MedGen C5979921, MONDO:0018772.

Allele frequency attached by ClinVar (database versions not stated): gnomAD exomes 0.00002 and 0.00004; ExAC 0.00006; ESP Exome Variant Server 0.00008; gnomAD 0.00017 and 0.00021; TOPMed 0.00022.
gnomAD v4.1: 62 of 1,613,692 alleles (0.0038%); highest among the groups gnomAD compares: African/African-American, 0.067%; no homozygotes.

Submissions (6):

PreventionGenetics, part of Exact Sciences
Classification: Uncertain significance for AHI1-related condition. Last evaluated: 2026-08-11. Review status: criteria provided, single submitter. Criteria: ACMG Guidelines, 2015. Collection method: clinical testing. Allele origin: germline.
Comment: The AHI1 c.221T>A variant is predicted to result in the amino acid substitution p.Ile74Asn. To our knowledge, this variant has not been reported in the literature. This variant is reported in 0.062% of alleles in individuals of African descent in gnomAD, which may be too frequent to be a primary cause of disease. Although we suspect that this variant may be benign, at this time, the clinical significance of this variant is uncertain due to the absence of conclusive functional and genetic evidence.

Labcorp Genetics (formerly Invitae), Labcorp
Classification: Likely benign for Joubert syndrome. Last evaluated: 2026-01-20. Review status: criteria provided, single submitter. Criteria: Invitae Variant Classification Sherloc (09022015). Collection method: clinical testing. Allele origin: germline.

Fulgent Genetics
Classification: Uncertain significance for Joubert syndrome 3. Last evaluated: 2024-03-06. Review status: criteria provided, single submitter. Criteria: ACMG Guidelines, 2015. Collection method: clinical testing. Allele origin: germline.

Ambry Genetics
Classification: Uncertain significance for Inborn genetic diseases. Last evaluated: 2023-11-17. Review status: criteria provided, single submitter. Criteria: Ambry Variant Classification Scheme 2023. Collection method: clinical testing. Allele origin: germline.

GeneDx
Classification: Uncertain significance. Last evaluated: 2022-08-08. Review status: criteria provided, single submitter. Criteria: GeneDx Variant Classification Process June 2021. Collection method: clinical testing. Allele origin: germline. Affected: yes.
Comment: In silico analysis supports that this missense variant does not alter protein structure/function; Has not been previously published as pathogenic or benign to our knowledge

Revvity Omics, Revvity
Classification: Uncertain significance for Joubert syndrome 3. Last evaluated: 2022-01-05. Review status: criteria provided, single submitter. Criteria: ACMG Guidelines, 2015. Collection method: clinical testing. Allele origin: germline.